The following is an entry in ClinVar:

NM_031935.3(HMCN1):c.1480G>T (p.Glu494Ter)

Gene: HMCN1 (hemicentin 1; plus strand). Cytogenetic location: 1q31.1.
Variant type: single nucleotide variant.
Coding change: c.1480G>T on transcript NM_031935.3 (MANE Select); coding-DNA position 1480, G replaced by T.
Protein change: p.Glu494Ter; replaces glutamic acid 494 with a stop codon.
Molecular consequence: nonsense.
Genome position (GRCh38, 1-based): chr1:185,928,595, G>T. VCF-style: chr1-185928595-G-T. GRCh37 (hg19) VCF-style: chr1-185897727-G-T.
Other names: short protein forms E494*.
Identifiers: ClinVar variation 2839990 (VCV002839990.3), dbSNP rs139490011, ClinGen allele CA343865300.
Genomic context (GRCh38, chr1:185,928,595, plus strand): 5'-CTTACCTCCAGAGAATCTGCCAGTGTGAACTTAGATATTGCAAAGGTCACTTTGTCTGAC[G>T]AAGGTTTCTATGAATGCATTGCTGTCAGCAGTGCAGGTACTGGACGGGCACAGACATTTT-3'

ClinVar aggregate classification (germline): Uncertain significance (1 of 4 stars; one submission).

Submission:

Labcorp Genetics (formerly Invitae), Labcorp
Classification: Uncertain significance. Last evaluated: 2023-02-22. Review status: criteria provided, single submitter. Criteria: Invitae Variant Classification Sherloc (09022015). Collection method: clinical testing. Allele origin: germline.
Comment: In summary, the available evidence is currently insufficient to determine the role of this variant in disease. Therefore, it has been classified as a Variant of Uncertain Significance. Experimental studies and prediction algorithms are not available or were not evaluated, and the functional significance of this variant is currently unknown. This variant has not been reported in the literature in individuals affected with HMCN1-related conditions. This variant is not present in population databases (gnomAD no frequency). This sequence change creates a premature translational stop signal (p.Glu494*) in the HMCN1 gene. It is expected to result in an absent or disrupted protein product. However, the current clinical and genetic evidence is not sufficient to establish whether loss-of-function variants in HMCN1 cause disease.